The following is an entry in ClinVar:

ClinVar aggregate classification (germline): Pathogenic/Likely pathogenic. Review status: criteria provided, multiple submitters, no conflicts (2 of 4 stars). 2 submissions from 2 submitters: Pathogenic (1); Likely pathogenic (1). Last evaluated 2026-07-11.

Conditions:
CCDC88C-related disorder. Also called: CCDC88C-Related Disorders; CCDC88C-related condition.
Hydrocephalus, nonsyndromic, autosomal recessive 1 (HYC1). Also called: Hydrocephalus, nonsyndromic, autosomal recessive; Congenital hydrocephalus 1. Identifiers: Orphanet 2185, MedGen C3887608, MONDO:0009360, OMIM 236600.

Submissions (2):

Myriad Genetics, Inc.
Classification: Pathogenic for Hydrocephalus, nonsyndromic, autosomal recessive 1. Last evaluated: 2026-07-11. Review status: criteria provided, single submitter. Criteria: Myriad Autosomal Dominant, Autosomal Recessive and X-Linked Classification Criteria (2023). Collection method: clinical testing. Allele origin: unknown.
Comment: NM_001080414.3(CCDC88C):c.3301_3302delAG(S1101Rfs*114) is expected to be pathogenic in the context of congenital hydrocephalus, CCDC88C-related. This variant is predicted to lead to an abnormal or absent protein product due to the creation of a premature termination codon in CCDC88C, a gene where loss-of-function variants are known to be pathogenic. Please note: this variant was assessed in the context of healthy population screening.

Women's Health and Genetics/Laboratory Corporation of America, LabCorp
Classification: Likely pathogenic for CCDC88C-Related Disorders. Last evaluated: 2023-03-29. Review status: criteria provided, single submitter. Criteria: LabCorp Variant Classification Summary - May 2015. Collection method: clinical testing. Allele origin: germline.
Comment: Variant summary: CCDC88C c.3301_3302delAG (p.Ser1101ArgfsX114) results in a premature termination codon, predicted to cause a truncation of the encoded protein or absence of the protein due to nonsense mediated decay, which are commonly known mechanisms for disease. Truncations downstream of this position have been classified as pathogenic in ClinVar. The variant was absent in 249126 control chromosomes (gnomAD). To our knowledge, no occurrence of c.3301_3302delAG in individuals affected with CCDC88C-Related Disorders and no experimental evidence demonstrating its impact on protein function have been reported. No clinical diagnostic laboratories have submitted clinical-significance assessments for this variant to ClinVar after 2014. Based on the evidence outlined above, the variant was classified as likely pathogenic.

NM_001080414.4(CCDC88C):c.3301_3302del (p.Ser1101fs)

Gene: CCDC88C (coiled-coil and HOOK domain protein 88C; minus strand). Cytogenetic location: 14q32.11.
Variant type: Microsatellite.
Coding change: c.3301_3302del on transcript NM_001080414.4 (MANE Select); coding-DNA positions 3301 to 3302, 2 bases deleted (AG; older notation c.3301_3302delAG).
Protein change: p.Ser1101fs; shifts the reading frame from serine 1101.
Molecular consequence: frameshift variant.
Genome position (GRCh38, 1-based): chr14:91,305,820-91,305,821, CT deleted on the plus strand (AG on the coding strand, the reverse complement: CCDC88C is on the minus strand); deleting any 2 consecutive bases within chr14:91,305,820-91,305,823 gives the same sequence; the c. name uses the placement nearest the transcript's 3' end. VCF-style (leftmost placement, unchanged base first): chr14-91305819-GCT-G. GRCh37 (hg19) VCF-style: chr14-91772163-GCT-G.
Other names: short protein forms S1101fs.
Identifiers: ClinVar variation 2501101 (VCV002501101.2), dbSNP rs2544361047, ClinGen allele CA2580613740.